The following is an entry in ClinVar:

NM_001854.4(COL11A1):c.4925C>A (p.Thr1642Lys)

Gene: COL11A1 (collagen type XI alpha 1 chain; minus strand). Cytogenetic location: 1p21.1.
Variant type: single nucleotide variant.
Coding change: c.4925C>A on transcript NM_001854.4 (MANE Select); coding-DNA position 4925, C replaced by A.
Protein change: p.Thr1642Lys; replaces threonine 1642 with lysine.
Molecular consequence: missense variant. On other transcripts: non-coding transcript variant (1).
Genome position (GRCh38, 1-based): chr1:102,883,245, G>T on the plus strand (C>A on the coding strand, the complement: COL11A1 is on the minus strand). VCF-style: chr1-102883245-G-T. GRCh37 (hg19) VCF-style: chr1-103348801-G-T.
Other names: c.4808C>A, p.Thr1603Lys (NM_001190709.2); c.4961C>A, p.Thr1654Lys (NM_080629.3); c.4577C>A, p.Thr1526Lys (NM_080630.4); short protein forms T1526K, T1642K, T1603K, T1654K.
Identifiers: ClinVar variation 4707764 (VCV004707764.1).

ClinVar aggregate classification (germline): Uncertain significance (1 of 4 stars; one submission).

gnomAD v4.1: 2 of 1,613,580 alleles (0.00012%); highest among the groups gnomAD compares: African/African-American, 0.0027%; no homozygotes.

Submission:

Labcorp Genetics (formerly Invitae), Labcorp
Classification: Uncertain significance. Last evaluated: 2025-09-15. Review status: criteria provided, single submitter. Criteria: Invitae Variant Classification Sherloc (09022015). Collection method: clinical testing. Allele origin: germline.
Comment: This sequence change replaces threonine, which is neutral and polar, with lysine, which is basic and polar, at codon 1642 of the COL11A1 protein (p.Thr1642Lys). This variant is not present in population databases (gnomAD no frequency). This variant has not been reported in the literature in individuals affected with COL11A1-related conditions. Invitae Evidence Modeling of protein sequence and biophysical properties (such as structural, functional, and spatial information, amino acid conservation, physicochemical variation, residue mobility, and thermodynamic stability) has been performed for this missense variant. However, the output from this modeling did not meet the statistical confidence thresholds required to predict the impact of this variant on COL11A1 protein function. In summary, the available evidence is currently insufficient to determine the role of this variant in disease. Therefore, it has been classified as a Variant of Uncertain Significance.